The following is an entry in ClinVar:

ClinVar aggregate classification (germline): Conflicting classifications of pathogenicity. Review status: criteria provided, conflicting classifications (1 of 4 stars). 9 submissions from 9 submitters: Uncertain significance (1); Benign (3); Likely benign (4). 1 of the submissions does not count toward it. Last evaluated 2026-09-01.

Conditions:
Autosomal recessive nonsyndromic hearing loss 77. Identifiers: Orphanet 90636, MedGen C2746083, MONDO:0013119, OMIM 613079.

Allele frequency attached by ClinVar (database versions not stated): 1000 Genomes Project 30x 0.00281; gnomAD exomes 0.00286 and 0.00393; TOPMed 0.00290; gnomAD 0.00305 and 0.00308; 1000 Genomes Project 0.00220; ExAC 0.00266.
gnomAD v4.1: 5,912 of 1,551,616 alleles (0.38%); highest among the groups gnomAD compares: Non-Finnish European, 0.45%; 18 homozygotes.

Submissions (9):

CeGaT Center for Human Genetics Tuebingen
Classification: Likely benign. Last evaluated: 2026-09-01. Review status: criteria provided, single submitter. Criteria: CeGaT Center For Human Genetics Tuebingen Variant Classification Criteria Version 2. Collection method: clinical testing. Allele origin: germline. Affected: yes. Observed: 7 variant alleles.
Comment: LOXHD1: BP4, BS2

Labcorp Genetics (formerly Invitae), Labcorp
Classification: Benign. Last evaluated: 2026-01-28. Review status: criteria provided, single submitter. Criteria: Invitae Variant Classification Sherloc (09022015). Collection method: clinical testing. Allele origin: germline.

Women's Health and Genetics/Laboratory Corporation of America, LabCorp
Classification: Benign. Last evaluated: 2025-02-24. Review status: criteria provided, single submitter. Criteria: LabCorp Variant Classification Summary - May 2015. Collection method: clinical testing. Allele origin: germline.

Blueprint Genetics
Classification: Likely benign. Last evaluated: 2024-11-26. Review status: criteria provided, single submitter. Criteria: ACMG Guidelines, 2015. Collection method: clinical testing. Allele origin: germline.

GeneDx
Classification: Likely benign. Last evaluated: 2018-01-12. Review status: criteria provided, single submitter. Criteria: GeneDx Variant Classification (06012015). Collection method: clinical testing. Allele origin: germline. Affected: yes.
Comment: This variant is considered likely benign or benign based on one or more of the following criteria: it is a conservative change, it occurs at a poorly conserved position in the protein, it is predicted to be benign by multiple in silico algorithms, and/or has population frequency not consistent with disease.

Illumina Laboratory Services, Illumina
Classification: Uncertain significance for Autosomal recessive nonsyndromic hearing loss 77. Last evaluated: 2018-01-12. Review status: criteria provided, single submitter. Criteria: ICSL Variant Classification Criteria 13 December 2019. Collection method: clinical testing. Allele origin: germline.

Laboratory for Molecular Medicine, Mass General Brigham Personalized Medicine
Classification: Benign. Last evaluated: 2017-06-13. Review status: criteria provided, single submitter. Criteria: LMM Criteria. Collection method: clinical testing. Allele origin: germline. Observed: 10 variant alleles.
Comment: p.Ala2185Ala in Exon 40 of LOXHD1: This variant is not expected to have clinical significance because it does not alter an amino acid residue, is not located wi thin the splice consensus sequence, and has been identified in 0.5% (326/72006) European chromosomes by the Genome Aggregation Database (gnomAD; dbSNP rs189873733).

Eurofins Ntd Llc (ga)
Classification: Likely benign. Last evaluated: 2015-09-02. Review status: criteria provided, single submitter. Criteria: EGL Classification Definitions 2015. Collection method: clinical testing. Allele origin: germline. Observed: 2 variant alleles, 2 heterozygotes.

Natera, Inc.
Classification: Uncertain significance for Autosomal recessive deafness type 77. Last evaluated: 2019-11-11. Review status: no assertion criteria provided. Collection method: clinical testing. Allele origin: germline. Not counted in ClinVar's aggregate classification.

NM_001384474.1(LOXHD1):c.6741C>T (p.Ala2247=)

Gene: LOXHD1 (lipoxygenase homology PLAT domains 1; minus strand). Cytogenetic location: 18q21.1.
Variant type: single nucleotide variant.
Coding change: c.6741C>T on transcript NM_001384474.1 (MANE Select); coding-DNA position 6741, C replaced by T.
Protein change: p.Ala2247=; no amino-acid change (alanine 2247 retained).
Molecular consequence: synonymous variant. On other transcripts: intron variant (3).
Genome position (GRCh38, 1-based): chr18:46,477,553, G>A on the plus strand (C>T on the coding strand, the complement: LOXHD1 is on the minus strand). VCF-style: chr18-46477553-G-A. GRCh37 (hg19) VCF-style: chr18-44057516-G-A.
Other names: c.1458C>T, p.Ala486= (NM_001145473.3); c.6555C>T, p.Ala2185= (NM_144612.7); c.3307+101C>T (NM_001145472.3); c.3033+87C>T (NM_001308013.2); c.1371+87C>T (NM_001173129.2).
Identifiers: ClinVar variation 178390 (VCV000178390.54), dbSNP rs189873733, ClinGen allele CA182237.